The following is an entry in ClinVar:

NM_032242.4(PLXNA1):c.1557G>A (p.Thr519=)

Gene: PLXNA1 (plexin A1; plus strand). Cytogenetic location: 3q21.3.
Variant type: single nucleotide variant.
Coding change: c.1557G>A on transcript NM_032242.4 (MANE Select); coding-DNA position 1557, G replaced by A.
Protein change: p.Thr519=; no amino-acid change (threonine 519 retained).
Molecular consequence: synonymous variant.
Genome position (GRCh38, 1-based): chr3:127,004,649, G>A. VCF-style: chr3-127004649-G-A. GRCh37 (hg19) VCF-style: chr3-126723492-G-A.
Identifiers: ClinVar variation 4986073 (VCV004986073.1).
Genomic context (GRCh38, chr3:127,004,649, plus strand): 5'-CCTGACACCTCCCCCACACCAGGTGACGCGGGTGCCTGTGGAGAGCTGTGTGCAGTACAC[G>A]TCCTGTGAGCTGTGTCTGGGGTCACGGGACCCCCACTGTGGCTGGTGTGTCCTGCACAGC-3'
Protein context (NP_115618.3, residues 509-529): RVPVESCVQY[Thr519=]SCELCLGSRD

ClinVar aggregate classification (germline): Likely benign (1 of 4 stars; one submission).

Conditions:
PLXNA1-related disorder. Also called: PLXNA1-related condition.

gnomAD v4.1: 11 of 1,585,192 alleles (0.00069%); highest among the groups gnomAD compares: South Asian, 0.0034%; no homozygotes.

Submission:

PreventionGenetics, part of Exact Sciences
Classification: Likely benign for PLXNA1-related condition. Last evaluated: 2024-10-11. Review status: criteria provided, single submitter. Criteria: ACMG Guidelines, 2015. Collection method: clinical testing. Allele origin: germline.
Comment: This variant is classified as likely benign based on ACMG/AMP sequence variant interpretation guidelines (Richards et al. 2015 PMID: 25741868, with internal and published modifications).